The following is an entry in ClinVar:

ClinVar aggregate classification (germline): Conflicting classifications of pathogenicity. Review status: criteria provided, conflicting classifications (1 of 4 stars). 9 submissions from 9 submitters: Uncertain significance (2); Benign (3); Likely benign (3). 1 of the submissions does not count toward it. Last evaluated 2026-01-30.

Conditions:
KMT2D-related disorder. Also called: KMT2D-Related Disorders.
Kabuki syndrome. Also called: Kabuki make-up syndrome; NIIKAWA-KUROKI SYNDROME. Identifiers: Orphanet 2322, MedGen C0796004, MONDO:0016512.
Inborn genetic diseases. Identifiers: MedGen C0950123, MeSH D030342.
Kabuki syndrome 1 (KABUK1). Also called: KMT2D-Related Kabuki Syndrome. Identifiers: Orphanet 2322, MedGen CN030661, MONDO:0007843, OMIM 147920.

Allele frequency attached by ClinVar (database versions not stated): ESP Exome Variant Server 0.00008; ExAC 0.00019; gnomAD exomes 0.00024; gnomAD 0.00048 and 0.00051; 1000 Genomes Project 0.00080; TOPMed 0.00090; 1000 Genomes Project 30x 0.00094.
gnomAD v4.1: 179 of 1,566,260 alleles (0.011%); highest among the groups gnomAD compares: Admixed American, 0.22%; 1 homozygote.

Submissions (9):

Labcorp Genetics (formerly Invitae), Labcorp
Classification: Likely benign for Kabuki syndrome. Last evaluated: 2026-01-30. Review status: criteria provided, single submitter. Criteria: Invitae Variant Classification Sherloc (09022015). Collection method: clinical testing. Allele origin: germline.

CeGaT Center for Human Genetics Tuebingen
Classification: Benign. Last evaluated: 2025-10-01. Review status: criteria provided, single submitter. Criteria: CeGaT Center For Human Genetics Tuebingen Variant Classification Criteria Version 2. Collection method: clinical testing. Allele origin: germline. Affected: yes. Observed: 1 variant allele.
Comment: KMT2D: BS1, BS2

Ambry Genetics
Classification: Likely benign for Inborn genetic diseases. Last evaluated: 2025-04-24. Review status: criteria provided, single submitter. Criteria: Ambry Variant Classification Scheme 2023. Collection method: clinical testing. Allele origin: germline.

Athena Diagnostics
Classification: Benign. Last evaluated: 2025-04-11. Review status: criteria provided, single submitter. Criteria: Athena Diagnostics Criteria. Collection method: clinical testing. Allele origin: unknown.
Comment: The frequency of this variant in the general population is higher than would generally be expected for pathogenic variants in this gene.

Blueprint Genetics
Classification: Likely benign. Last evaluated: 2024-09-06. Review status: criteria provided, single submitter. Criteria: ACMG Guidelines, 2015. Collection method: clinical testing. Allele origin: germline.

GeneDx
Classification: Benign. Last evaluated: 2019-04-19. Review status: criteria provided, single submitter. Criteria: GeneDx Variant Classification Process June 2021. Collection method: clinical testing. Allele origin: germline. Affected: yes.
Comment: This variant is associated with the following publications: (PMID: 31624253)

Center for Human Genetics, Inc
Classification: Uncertain significance for Kabuki syndrome 1. Last evaluated: 2016-11-01. Review status: criteria provided, single submitter. Criteria: ACMG Guidelines, 2015. Collection method: clinical testing. Allele origin: germline. Affected: yes.

Eurofins Ntd Llc (ga)
Classification: Uncertain significance. Last evaluated: 2015-03-09. Review status: criteria provided, single submitter. Criteria: EGL Classification Definitions 2015. Collection method: clinical testing. Allele origin: germline. Observed: 1 variant allele, 1 heterozygote.

PreventionGenetics, part of Exact Sciences
Classification: Likely benign for KMT2D-related condition. Last evaluated: 2022-04-26. Review status: no assertion criteria provided. Collection method: clinical testing. Allele origin: germline. Not counted in ClinVar's aggregate classification.
Comment: This variant is classified as likely benign based on ACMG/AMP sequence variant interpretation guidelines (Richards et al. 2015 PMID: 25741868, with internal and published modifications).

Literature cited by the submitters: PubMed 31624253 (cited by Athena Diagnostics).

NM_003482.4(KMT2D):c.7301C>A (p.Ala2434Asp)

Gene: KMT2D (lysine methyltransferase 2D; minus strand). Cytogenetic location: 12q13.12.
Variant type: single nucleotide variant.
Coding change: c.7301C>A on transcript NM_003482.4 (MANE Select); coding-DNA position 7301, C replaced by A.
Protein change: p.Ala2434Asp; replaces alanine 2434 with aspartic acid.
Molecular consequence: missense variant.
Genome position (GRCh38, 1-based): chr12:49,040,469, G>T on the plus strand (C>A on the coding strand, the complement: KMT2D is on the minus strand). VCF-style: chr12-49040469-G-T. GRCh37 (hg19) VCF-style: chr12-49434252-G-T.
Other names: short protein forms A2434D.
Identifiers: ClinVar variation 196689 (VCV000196689.29), dbSNP rs201114196, ClinGen allele CA243759.